The following is an entry in ClinVar:

ClinVar aggregate classification (germline): Uncertain significance (1 of 4 stars; one submission).

Conditions:
SHORT syndrome. Also called: SHORT STATURE, HYPEREXTENSIBILITY, HERNIA, OCULAR DEPRESSION, RIEGER ANOMALY, AND TEETHING DELAY; PIK3R1-Related SHORT Syndrome; LIPODYSTROPHY, PARTIAL, WITH RIEGER ANOMALY AND SHORT STATURE. Identifiers: Orphanet 3163, MedGen C0878684, MONDO:0010026, OMIM 269880.
Agammaglobulinemia 7, autosomal recessive (AGM7). Also called: AGAMMAGLOBULINEMIA, AUTOSOMAL RECESSIVE, DUE TO PIK3R1 DEFECT. Identifiers: MedGen C3554689, MONDO:0014083, OMIM 615214.
Immunodeficiency 36 with lymphoproliferation. Also called: ACTIVATED PI3K-DELTA SYNDROME 2; Immunodeficiency 36; Activated PI3K Delta Syndrome Type 2 (APDS2). Identifiers: Orphanet 397596, Orphanet 693681, MedGen C4014934, MONDO:0014453, OMIM 616005.

Allele frequency attached by ClinVar (database versions not stated): ESP Exome Variant Server 0.00008.
gnomAD v4.1: 133 of 1,583,392 alleles (0.0084%); highest among the groups gnomAD compares: Non-Finnish European, 0.011%; no homozygotes.

Submission:

Labcorp Genetics (formerly Invitae), Labcorp
Classification: Uncertain significance for SHORT syndrome; Immunodeficiency 36 with lymphoproliferation; Agammaglobulinemia 7, autosomal recessive. Last evaluated: 2025-03-25. Review status: criteria provided, single submitter. Criteria: Invitae Variant Classification Sherloc (09022015). Collection method: clinical testing. Allele origin: germline.
Comment: This sequence change replaces proline, which is neutral and non-polar, with alanine, which is neutral and non-polar, at codon 305 of the PIK3R1 protein (p.Pro305Ala). This variant is present in population databases (rs371778244, gnomAD 0.004%). This variant has not been reported in the literature in individuals affected with PIK3R1-related conditions. ClinVar contains an entry for this variant (Variation ID: 2083522). Invitae Evidence Modeling of protein sequence and biophysical properties (such as structural, functional, and spatial information, amino acid conservation, physicochemical variation, residue mobility, and thermodynamic stability) has been performed for this missense variant. However, the output from this modeling did not meet the statistical confidence thresholds required to predict the impact of this variant on PIK3R1 protein function. In summary, the available evidence is currently insufficient to determine the role of this variant in disease. Therefore, it has been classified as a Variant of Uncertain Significance.

NM_181523.3(PIK3R1):c.913C>G (p.Pro305Ala)

Gene: PIK3R1 (phosphoinositide-3-kinase regulatory subunit 1; plus strand). Cytogenetic location: 5q13.1.
Variant type: single nucleotide variant.
Coding change: c.913C>G on transcript NM_181523.3 (MANE Select); coding-DNA position 913, C replaced by G.
Protein change: p.Pro305Ala; replaces proline 305 with alanine.
Molecular consequence: missense variant.
Genome position (GRCh38, 1-based): chr5:68,281,003, C>G. VCF-style: chr5-68281003-C-G. GRCh37 (hg19) VCF-style: chr5-67576831-C-G.
Other names: short protein forms P305A.
Identifiers: ClinVar variation 2083522 (VCV002083522.4), dbSNP rs371778244, ClinGen allele CA3290166.